The following is an entry in ClinVar:

NM_001903.5(CTNNA1):c.1158C>G (p.Val386=)

Gene: CTNNA1 (catenin alpha 1; plus strand). Cytogenetic location: 5q31.2.
Variant type: single nucleotide variant.
Coding change: c.1158C>G on transcript NM_001903.5 (MANE Select); coding-DNA position 1158, C replaced by G.
Protein change: p.Val386=; no amino-acid change (valine 386 retained).
Molecular consequence: synonymous variant. On other transcripts: 5 prime UTR variant (5), intron variant (2).
Genome position (GRCh38, 1-based): chr5:138,887,504, C>G. VCF-style: chr5-138887504-C-G. GRCh37 (hg19) VCF-style: chr5-138223193-C-G.
Other names: c.1158C>G, p.Val386= (NM_001290307.3, NM_001323982.2, NM_001323983.1 and 3 more transcripts); c.849C>G, p.Val283= (NM_001290309.3); c.789C>G, p.Val263= (NM_001290310.3); c.48C>G, p.Val16= (NM_001290312.1, NM_001323987.1, NM_001323988.1 and 18 more transcripts); c.-350C>G (NM_001324006.1, NM_001324007.1, NM_001324008.1 and 1 more transcripts); c.-225C>G (NM_001324013.1); c.-58+11907C>G (NM_001324012.1); c.-61+11907C>G (NM_001324010.1).
Identifiers: ClinVar variation 3773470 (VCV003773470.1).

ClinVar aggregate classification (germline): Benign (1 of 4 stars; one submission).

Conditions:
Hereditary diffuse gastric adenocarcinoma (HDGC). Also called: DIFFUSE GASTRIC AND LOBULAR BREAST CANCER SYNDROME. Identifiers: Orphanet 26106, MedGen C1708349, MONDO:0007648, OMIM 137215.

Submission:

Myriad Genetics, Inc.
Classification: Benign for Hereditary diffuse gastric adenocarcinoma. Last evaluated: 2024-10-11. Review status: criteria provided, single submitter. Criteria: Myriad Autosomal Dominant, Autosomal Recessive and X-Linked Classification Criteria (2023). Collection method: clinical testing. Allele origin: unknown.
Comment: This variant is considered benign. This variant is a silent/synonymous amino acid change and it is not expected to impact splicing.